The following is an entry in ClinVar:

ClinVar aggregate classification (germline): Likely benign (0 of 4 stars; one submission).

Conditions:
ATP13A4-related disorder. Also called: ATP13A4-related condition.

Allele frequency attached by ClinVar (database versions not stated): gnomAD exomes 0.00005; ExAC 0.00007; TOPMed 0.00007; ESP Exome Variant Server 0.00008; gnomAD 0.00012.
gnomAD v4.1: 106 of 1,610,770 alleles (0.0066%); highest among the groups gnomAD compares: Non-Finnish European, 0.00093%; 1 homozygote.

Submission:

PreventionGenetics, part of Exact Sciences
Classification: Likely benign for ATP13A4-related condition. Last evaluated: 2019-08-16. Review status: no assertion criteria provided. Collection method: clinical testing. Allele origin: germline.
Comment: This variant is classified as likely benign based on ACMG/AMP sequence variant interpretation guidelines (Richards et al. 2015 PMID: 25741868, with internal and published modifications).

NM_032279.4(ATP13A4):c.687C>T (p.Ile229=)

Gene: ATP13A4 (ATPase 13A4; minus strand). Cytogenetic location: 3q29.
Variant type: single nucleotide variant.
Coding change: c.687C>T on transcript NM_032279.4 (MANE Select); coding-DNA position 687, C replaced by T.
Protein change: p.Ile229=; no amino-acid change (isoleucine 229 retained).
Molecular consequence: synonymous variant.
Genome position (GRCh38, 1-based): chr3:193,489,781, G>A on the plus strand (C>T on the coding strand, the complement: ATP13A4 is on the minus strand). VCF-style: chr3-193489781-G-A. GRCh37 (hg19) VCF-style: chr3-193207570-G-A.
Identifiers: ClinVar variation 3053342 (VCV003053342.2), dbSNP rs201200518, ClinGen allele CA2758643.